The following is an entry in ClinVar:

NM_000321.3(RB1):c.608-17G>A

Gene: RB1 (RB transcriptional corepressor 1; plus strand). Cytogenetic location: 13q14.2.
Variant type: single nucleotide variant.
Coding change: c.608-17G>A on transcript NM_000321.3 (MANE Select); 17 bases into the intron before coding-DNA position 608, G replaced by A.
Molecular consequence: intron variant.
Genome position (GRCh38, 1-based): chr13:48,360,000, G>A. VCF-style: chr13-48360000-G-A. GRCh37 (hg19) VCF-style: chr13-48934136-G-A.
Identifiers: ClinVar variation 1644234 (VCV001644234.9), dbSNP rs1186097725, ClinGen allele CA609574477.
Genomic context (GRCh38, chr13:48,360,000, plus strand): 5'-TACTCTACCCTGCGATTTTCTCTCATACAAAGATCTGAATCTCTAACTTTCTTTAAAAAT[G>A]TACATTTTTTTTTCAGGGGAAGTATTACAAATGGAAGATGATCTGGTGATTTCATTTCAG-3'

ClinVar aggregate classification (germline): Likely benign. Review status: criteria provided, multiple submitters, no conflicts (2 of 4 stars). 2 submissions from 2 submitters: Likely benign (2). Last evaluated 2026-06-18.

Conditions:
Retinoblastoma (RB1). Also called: RETINOBLASTOMA, SOMATIC. Identifiers: Orphanet 790, MedGen C0035335, MeSH D012175, MONDO:0008380, OMIM 180200, HP:0009919. Disease mechanism: loss of function. Inheritance: Both sporadic and heritable forms are tested..

Allele frequency attached by ClinVar (database versions not stated): gnomAD exomes below 0.00001; gnomAD 0.00001; TOPMed 0.00001.
gnomAD v4.1: 3 of 1,609,750 alleles (0.00019%); highest among the groups gnomAD compares: Admixed American, 0.0017%; no homozygotes.

Submissions (2):

Myriad Genetics, Inc.
Classification: Likely benign for Retinoblastoma. Last evaluated: 2026-06-18. Review status: criteria provided, single submitter. Criteria: Myriad Autosomal Dominant, Autosomal Recessive and X-Linked Classification Criteria (2023). Collection method: clinical testing. Allele origin: unknown.
Comment: This variant is considered likely benign. This variant is intronic and is not expected to impact mRNA splicing.

Labcorp Genetics (formerly Invitae), Labcorp
Classification: Likely benign for Retinoblastoma. Last evaluated: 2021-11-10. Review status: criteria provided, single submitter. Criteria: Invitae Variant Classification Sherloc (09022015). Collection method: clinical testing. Allele origin: germline.